The following is an entry in ClinVar:

NM_000238.4(KCNH2):c.2398+2T>G

Gene: KCNH2 (potassium voltage-gated channel subfamily H member 2; minus strand). Cytogenetic location: 7q36.1.
Variant type: single nucleotide variant.
Coding change: c.2398+2T>G on transcript NM_000238.4 (MANE Select); the canonical splice donor site of the intron after coding-DNA position 2398, T replaced by G.
Molecular consequence: splice donor variant. On other transcripts: synonymous variant (5).
Genome position (GRCh38, 1-based): chr7:150,950,166, A>C on the plus strand (T>G on the coding strand, the complement: KCNH2 is on the minus strand). VCF-style: chr7-150950166-A-C. GRCh37 (hg19) VCF-style: chr7-150647254-A-C.
Other names: c.1380T>G, p.Gly460= (NM_001204798.2); c.2223T>G, p.Gly741= (NM_001406755.1); c.2112T>G, p.Gly704= (NM_001406756.1); c.2100T>G, p.Gly700= (NM_001406757.1); c.2400T>G, p.Gly800= (NM_172056.3); c.2110+2T>G (NM_001406753.1); c.1378+2T>G (NM_172057.3).
Identifiers: ClinVar variation 4535537 (VCV004535537.1).

ClinVar aggregate classification (germline): Likely pathogenic (1 of 4 stars; one submission).

Conditions:
Long QT syndrome (LQTS). Identifiers: MedGen C0023976, MeSH D008133, MONDO:0002442. Disease mechanism: loss of function. Inheritance: Various modes of inheritance.

Submission:

Women's Health and Genetics/Laboratory Corporation of America, LabCorp
Classification: Likely pathogenic for Long QT syndrome. Last evaluated: 2025-09-15. Review status: criteria provided, single submitter. Criteria: LabCorp Variant Classification Summary - May 2015. Collection method: clinical testing. Allele origin: germline.
Comment: Variant summary: KCNH2 c.2398+2T>G is located in a canonical splice-site and is predicted to affect mRNA splicing resulting in a significantly altered protein due to either exon skipping, shortening, or inclusion of intronic material. Variants that disrupt the consensus splice site are a relatively common cause of aberrant splicing and loss of KCNH2 function. Several computational tools predict a significant impact on normal splicing: Four predict the variant abolishes a 5' splicing donor site. However, these predictions have yet to be confirmed by functional studies. The variant was absent in 250960 control chromosomes. c.2398+2T>G has been observed in individual(s) affected with Long QT Syndrome (Aizawa_2023). These report(s) do not provide unequivocal conclusions about association of the variant with Long QT Syndrome. To our knowledge, no experimental evidence demonstrating an impact on protein function has been reported. The following publication have been ascertained in the context of this evaluation (PMID: 36861347). No submitters have cited clinical-significance assessments for this variant to ClinVar. Based on the evidence outlined above, the variant was classified as likely pathogenic.

Literature cited by the submitters: PubMed 36861347.